The following is an entry in ClinVar:

NM_000368.5(TSC1):c.2041+5A>C

Gene: TSC1 (TSC complex subunit 1; minus strand). Cytogenetic location: 9q34.13.
Variant type: single nucleotide variant.
Coding change: c.2041+5A>C on transcript NM_000368.5 (MANE Select); 5 bases into the intron after coding-DNA position 2041, A replaced by C.
Molecular consequence: intron variant.
Genome position (GRCh38, 1-based): chr9:132,904,406, T>G on the plus strand (A>C on the coding strand, the complement: TSC1 is on the minus strand). VCF-style: chr9-132904406-T-G. GRCh37 (hg19) VCF-style: chr9-135779793-T-G.
Other names: c.1675+5A>C (NM_001406620.1, NM_001406625.1, NM_001406621.1 and 2 more transcripts); c.1678+5A>C (NM_001406618.1, NM_001406617.1, NM_001406619.1 and 5 more transcripts); c.1885+5A>C (NM_001406613.1, NM_001406612.1, NM_001406611.1); c.1888+5A>C (NM_001406610.1, NM_001162427.2); c.1087+5A>C (NM_001406627.1, NM_001406628.1); c.988+5A>C (NM_001406629.1, NM_001406630.1); c.2038+5A>C (NM_001406603.1, NM_001406609.1, NM_001406597.1 and 6 more transcripts); c.2041+5A>C (NM_001406602.1, NM_001406606.1, NM_001406592.1 and 7 more transcripts); and 1 more.
Identifiers: ClinVar variation 2851411 (VCV002851411.3), dbSNP rs2538675572, ClinGen allele CA2739264826.

ClinVar aggregate classification (germline): Uncertain significance (1 of 4 stars; one submission).

Conditions:
Tuberous sclerosis 1 (TSC1). Identifiers: Orphanet 805, MedGen C1854465, MONDO:0008612, OMIM 191100.

Submission:

Labcorp Genetics (formerly Invitae), Labcorp
Classification: Uncertain significance for Tuberous sclerosis 1. Last evaluated: 2023-04-01. Review status: criteria provided, single submitter. Criteria: Invitae Variant Classification Sherloc (09022015). Collection method: clinical testing. Allele origin: germline.
Comment: This sequence change falls in intron 16 of the TSC1 gene. It does not directly change the encoded amino acid sequence of the TSC1 protein. It affects a nucleotide within the consensus splice site. This variant is not present in population databases (gnomAD no frequency). This variant has not been reported in the literature in individuals affected with TSC1-related conditions. Variants that disrupt the consensus splice site are a relatively common cause of aberrant splicing (PMID: 17576681, 9536098). Algorithms developed to predict the effect of sequence changes on RNA splicing suggest that this variant is not likely to affect RNA splicing. In summary, the available evidence is currently insufficient to determine the role of this variant in disease. Therefore, it has been classified as a Variant of Uncertain Significance.

Literature cited by the submitters: PubMed 17576681; PubMed 9536098.